The following is an entry in ClinVar:

ClinVar aggregate classification (germline): Likely pathogenic. Review status: criteria provided, multiple submitters, no conflicts (2 of 4 stars). 2 submissions from 2 submitters: Likely pathogenic (2). Last evaluated 2019-05-28.

Conditions:
Pyropoikilocytosis, hereditary. Also called: Pyropoikilocytosis. Identifiers: MedGen C0520739, MONDO:0009948, OMIM 266140, HP:0004839. Disease mechanism: loss of function.
Hereditary spherocytosis type 3. Also called: SPTA1-Related Spherocytosis; Spherocytosis type 3. Identifiers: Orphanet 822, MedGen C2678338, MONDO:0010053, OMIM 270970.
Elliptocytosis 2 (EL2). Also called: ELLIPTOCYTOSIS, RHESUS-UNLINKED TYPE. Identifiers: Orphanet 288, MedGen C1851741, MONDO:0007533, OMIM 130600.

Submissions (2):

Mendelics
Classification: Likely pathogenic for Pyropoikilocytosis, hereditary. Last evaluated: 2019-05-28. Review status: criteria provided, single submitter. Criteria: Mendelics Assertion Criteria 2017. Collection method: clinical testing. Allele origin: unknown.

Juno Genomics, Hangzhou Juno Genomics, Inc
Classification: Likely pathogenic for Hereditary spherocytosis type 3; Elliptocytosis 2; Pyropoikilocytosis, hereditary. Review status: criteria provided, single submitter. Criteria: ACMG Guidelines, 2015. Collection method: clinical testing. Allele origin: germline.
Comment: Absent from controls (or at extremely low frequency if recessive) in Genome Aggregation Database.;Null variant in a gene where loss of function (LOF) is a known mechanism of disease.

NM_003126.4(SPTA1):c.570G>A (p.Trp190Ter)

Gene: SPTA1 (spectrin alpha, erythrocytic 1; minus strand). Cytogenetic location: 1q23.1.
Variant type: single nucleotide variant.
Coding change: c.570G>A on transcript NM_003126.4 (MANE Select); coding-DNA position 570, G replaced by A.
Protein change: p.Trp190Ter; replaces tryptophan 190 with a stop codon.
Molecular consequence: nonsense.
Genome position (GRCh38, 1-based): chr1:158,680,691, C>T on the plus strand (G>A on the coding strand, the complement: SPTA1 is on the minus strand). VCF-style: chr1-158680691-C-T. GRCh37 (hg19) VCF-style: chr1-158650481-C-T.
Other names: short protein forms W190*.
Identifiers: ClinVar variation 801566 (VCV000801566.3), dbSNP rs1571530070, ClinGen allele CA343020850.